The following is an entry in ClinVar:

ClinVar aggregate classification (germline): Likely benign. Review status: criteria provided, single submitter (1 of 4 stars). 2 submissions from 2 submitters: Likely benign (1). 1 of the submissions does not count toward it. Last evaluated 2026-07-01.

Conditions:
PTCD3-related disorder. Also called: PTCD3-related condition.

Allele frequency attached by ClinVar (database versions not stated): 1000 Genomes Project 30x 0.00047; 1000 Genomes Project 0.00060; TOPMed 0.00099; gnomAD 0.00121; ESP Exome Variant Server 0.00123.

Submissions (2):

CeGaT Center for Human Genetics Tuebingen
Classification: Likely benign. Last evaluated: 2026-07-01. Review status: criteria provided, single submitter. Criteria: CeGaT Center For Human Genetics Tuebingen Variant Classification Criteria Version 2. Collection method: clinical testing. Allele origin: germline. Affected: yes. Observed: 1 variant allele.
Comment: PTCD3: BP4

PreventionGenetics, part of Exact Sciences
Classification: Likely benign for PTCD3-related condition. Last evaluated: 2023-05-31. Review status: no assertion criteria provided. Collection method: clinical testing. Allele origin: germline. Not counted in ClinVar's aggregate classification.
Comment: This variant is classified as likely benign based on ACMG/AMP sequence variant interpretation guidelines (Richards et al. 2015 PMID: 25741868, with internal and published modifications).

NM_017952.6(PTCD3):c.31G>T (p.Gly11Cys)

Gene: PTCD3 (pentatricopeptide repeat domain 3; plus strand). Cytogenetic location: 2p11.2.
Variant type: single nucleotide variant.
Coding change: c.31G>T on transcript NM_017952.6 (MANE Select); coding-DNA position 31, G replaced by T.
Protein change: p.Gly11Cys; replaces glycine 11 with cysteine.
Molecular consequence: missense variant.
Genome position (GRCh38, 1-based): chr2:86,106,278, G>T. VCF-style: chr2-86106278-G-T. GRCh37 (hg19) VCF-style: chr2-86333401-G-T.
Other names: short protein forms G11C.
Identifiers: ClinVar variation 3040310 (VCV003040310.3), dbSNP rs140025381, ClinGen allele CA1746827.